The following is an entry in ClinVar:

ClinVar aggregate classification (germline): Conflicting classifications of pathogenicity. Review status: criteria provided, conflicting classifications (1 of 4 stars). 9 submissions from 9 submitters: Likely pathogenic (5); Uncertain significance (1); Likely benign (1). 2 of the submissions do not count toward it. Last evaluated 2026-07-24.

Conditions:
Hyperlipoproteinemia, type I. Also called: Lipase D deficiency; Familial Lipoprotein Lipase Deficiency; Familial hyperlipo-proteinemia type 1; Hyperlipemia essential familial; Lipoprotein Lipase Deficiency; HYPERLIPOPROTEINEMIA, TYPE IA. Identifiers: Orphanet 309015, Orphanet 444490, MedGen C0023817, MONDO:0009387, OMIM 238600. Disease mechanism: loss of function.
LPL-related disorder. Also called: LPL-related condition.
Cardiovascular phenotype. Identifiers: MedGen CN230736.

Allele frequency attached by ClinVar (database versions not stated): gnomAD exomes 0.00010; TOPMed 0.00010; ExAC 0.00012; gnomAD 0.00012 and 0.00013; ESP Exome Variant Server 0.00015.
gnomAD v4.1: 170 of 1,614,062 alleles (0.011%); highest among the groups gnomAD compares: Non-Finnish European, 0.014%; no homozygotes.

Submissions (9):

GeneDx
Classification: Likely pathogenic. Last evaluated: 2026-07-24. Review status: criteria provided, single submitter. Criteria: GeneDx Variant Classification Process June 2021. Collection method: clinical testing. Allele origin: germline.
Comment: Identified in the heterozygous state in individuals with hypertriglyceridemia in published literature and in unrelated patients with hypertriglyceridemia referred for genetic testing at GeneDx (PMID: 36411388, 36476373, 29555771, 27055971, 22239554); Published functional studies demonstrate reduced enzyme activity compared to wild-type (PMID: 7912254); In silico analysis supports that this missense variant has a deleterious effect on protein structure/function; This variant is associated with the following publications: (PMID: 22239554, 29555771, 29748148, 31980526, 36325899, 36476373, 36411388, 7912254, 27055971, 32041611, 21159338)

PreventionGenetics, part of Exact Sciences
Classification: Uncertain significance for LPL-related condition. Last evaluated: 2026-04-30. Review status: criteria provided, single submitter. Criteria: ACMG Guidelines, 2015. Collection method: clinical testing. Allele origin: germline.
Comment: The LPL c.286G>C variant is predicted to result in the amino acid substitution p.Val96Leu. This variant has been reported in individuals with various clinical phenotypes including cardiovascular phenotypes, hyperlipidemia, pancreatitis, and lipoprotein lipase deficiency (Bruin et al. 1994. PubMed ID: 7912254; Rodrigues et al. 2015. PubMed ID: 27055971; Perkins et al. 2018. PubMed ID: 29555771; Hou et al. 2020. PubMed ID: 31980526). This variant is reported in 0.022% of alleles in individuals of European (Non-Finnish) descent in gnomAD. At this time, the clinical significance of this variant is uncertain due to the absence of conclusive functional and genetic evidence.

Labcorp Genetics (formerly Invitae), Labcorp
Classification: Likely pathogenic. Last evaluated: 2025-12-30. Review status: criteria provided, single submitter. Criteria: Invitae Variant Classification Sherloc (09022015). Collection method: clinical testing. Allele origin: germline.
Comment: This sequence change replaces valine, which is neutral and non-polar, with leucine, which is neutral and non-polar, at codon 96 of the LPL protein (p.Val96Leu). This variant is present in population databases (rs373088068, gnomAD 0.02%). This missense change has been observed in individual(s) with lipoprotein lipase deficiency (PMID: 7912254, 27055971, 29748148). In at least one individual the data is consistent with being in trans (on the opposite chromosome) from a pathogenic variant. This variant is also known as Val69Leu. ClinVar contains an entry for this variant (Variation ID: 1284647). Invitae Evidence Modeling of protein sequence and biophysical properties (such as structural, functional, and spatial information, amino acid conservation, physicochemical variation, residue mobility, and thermodynamic stability) indicates that this missense variant is expected to disrupt LPL protein function with a positive predictive value of 80%. Experimental studies have shown that this missense change affects LPL function (PMID: 7912254). In summary, the currently available evidence indicates that the variant is pathogenic, but additional data are needed to prove that conclusively. Therefore, this variant has been classified as Likely Pathogenic.

Greenwood Genetic Center Diagnostic Laboratories, Greenwood Genetic Center
Classification: Likely pathogenic for LPL-related disorder. Last evaluated: 2025-11-25. Review status: criteria provided, single submitter. Criteria: ACMG Guidelines, 2015. Collection method: clinical testing. Allele origin: germline. Affected: yes.
Comment: PS3, PM3, PP3

Natera, Inc.
Classification: Likely pathogenic for Lipoprotein lipase deficiency. Last evaluated: 2025-11-06. Review status: criteria provided, single submitter. Criteria: Natera Variant Classification Schema (03/2026). Collection method: clinical testing. Allele origin: germline.
Comment: The c.286G>C variant in LPL is a missense variant predicted to cause substitution of valine to leucine at amino acid 96. This variant is rare in the general population with a frequency below the threshold expected for the associated phenotype(s). This variant has been observed in one or more individuals affected with the associated recessive disease, as either homozygous or compound heterozygous with a second variant (PMID: 22239554, 21159338). Functional studies show that this variant may disrupt protein function (PMID: 7912254). Computational prediction algorithms indicate this variant is likely to affect gene or protein function. Given the available evidence, this variant is classified as Likely Pathogenic.

Ambry Genetics
Classification: Likely pathogenic for Cardiovascular phenotype. Last evaluated: 2025-07-31. Review status: criteria provided, single submitter. Criteria: Ambry Variant Classification Scheme 2023. Collection method: clinical testing. Allele origin: germline.
Comment: The p.V96L variant (also known as c.286G>C), located in coding exon 3 of the LPL gene, results from a G to C substitution at nucleotide position 286. The valine at codon 96 is replaced by leucine, an amino acid with highly similar properties. This variant has been identified in the homozygous state and/or in conjunction with other LPL variant(s) in individual(s) with features consistent with familial chylomicronemia syndrome; in at least one instance, the variants were identified in trans (Bruin T et al. J Lipid Res, 1994 Mar;35:438-45; Hegele RA et al. J Clin Lipidol, 2018 Apr;12:920-927.e4; Surendran RP et al. J Intern Med, 2012 Aug;272:185-96). In an assay testing LPL function, this variant showed a functionally abnormal result (Bruin T et al. J Lipid Res, 1994 Mar;35:438-45). This variant is considered to be rare based on population cohorts in the Genome Aggregation Database (gnomAD). This amino acid position is highly conserved in available vertebrate species. In addition, this alteration is predicted to be deleterious by in silico analysis. Based on the majority of available evidence to date, this variant is likely to be pathogenic.

Blueprint Genetics
Classification: Likely benign. Last evaluated: 2023-02-03. Review status: criteria provided, single submitter. Criteria: ACMG Guidelines, 2015. Collection method: clinical testing. Allele origin: germline.

Clinical Genetics, Academic Medical Center
Classification: Pathogenic. Review status: no assertion criteria provided. Collection method: clinical testing. Allele origin: germline. Affected: yes. Study: VKGL Data-share Consensus. Not counted in ClinVar's aggregate classification.

Diagnostic Laboratory, Department of Genetics, University Medical Center Groningen
Classification: Pathogenic. Review status: no assertion criteria provided. Collection method: clinical testing. Allele origin: germline. Affected: yes. Study: VKGL Data-share Consensus. Not counted in ClinVar's aggregate classification.

Literature cited by the submitters: PubMed 7912254 (cited by 3 submitters); PubMed 27055971 (cited by Labcorp Genetics (formerly Invitae), Labcorp and Ambry Genetics); PubMed 29748148 (cited by Labcorp Genetics (formerly Invitae), Labcorp and Ambry Genetics); PubMed 22239554 (cited by Natera, Inc. and Ambry Genetics); PubMed 21159338 (cited by Natera, Inc. and Ambry Genetics).

NM_000237.3(LPL):c.286G>C (p.Val96Leu)

Gene: LPL (lipoprotein lipase; plus strand). Cytogenetic location: 8p21.3.
Variant type: single nucleotide variant.
Coding change: c.286G>C on transcript NM_000237.3 (MANE Select); coding-DNA position 286, G replaced by C.
Protein change: p.Val96Leu; replaces valine 96 with leucine.
Molecular consequence: missense variant.
Genome position (GRCh38, 1-based): chr8:19,951,805, G>C. VCF-style: chr8-19951805-G-C. GRCh37 (hg19) VCF-style: chr8-19809316-G-C.
Other names: short protein forms V96L.
Identifiers: ClinVar variation 1284647 (VCV001284647.16), dbSNP rs373088068, ClinGen allele CA4655374.